The following is an entry in ClinVar:

ClinVar aggregate classification (germline): Uncertain significance (1 of 4 stars; one submission).

Conditions:
POLD1-related polyposis and colorectal cancer syndrome (CRCS10). Also called: Colorectal cancer 10; COLORECTAL CANCER, SUSCEPTIBILITY TO, ON CHROMOSOME 19q; Colorectal cancer, susceptibility to, 10. Identifiers: Orphanet 220460, MedGen C2675481, MONDO:0012953, OMIM 612591.

Submission:

Labcorp Genetics (formerly Invitae), Labcorp
Classification: Uncertain significance for POLD1-related polyposis and colorectal cancer syndrome. Last evaluated: 2024-04-30. Review status: criteria provided, single submitter. Criteria: Invitae Variant Classification Sherloc (09022015). Collection method: clinical testing. Allele origin: germline.
Comment: This sequence change falls in intron 21 of the POLD1 gene. It does not directly change the encoded amino acid sequence of the POLD1 protein. This variant is not present in population databases (gnomAD no frequency). This variant has not been reported in the literature in individuals affected with POLD1-related conditions. RNA analysis provides insufficient evidence to determine the effect of this variant on POLD1 splicing (Invitae). In summary, the available evidence is currently insufficient to determine the role of this variant in disease. Therefore, it has been classified as a Variant of Uncertain Significance.

NM_002691.4(POLD1):c.2718-5C>A

Gene: POLD1 (DNA polymerase delta 1, catalytic subunit; plus strand). Cytogenetic location: 19q13.33.
Variant type: single nucleotide variant.
Coding change: c.2718-5C>A on transcript NM_002691.4 (MANE Select); 5 bases into the intron before coding-DNA position 2718, C replaced by A.
Molecular consequence: intron variant.
Genome position (GRCh38, 1-based): chr19:50,415,719, C>A. VCF-style: chr19-50415719-C-A. GRCh37 (hg19) VCF-style: chr19-50918976-C-A.
Other names: c.2718-5C>A (NM_001256849.1); c.2796-5C>A (NM_001308632.1).
Identifiers: ClinVar variation 3651604 (VCV003651604.2).